The following is an entry in ClinVar:

ClinVar aggregate classification (germline): Uncertain significance (1 of 4 stars; one submission).

Conditions:
Inborn genetic diseases. Identifiers: MedGen C0950123, MeSH D030342.

Submission:

Ambry Genetics
Classification: Uncertain significance for Inborn genetic diseases. Last evaluated: 2025-01-03. Review status: criteria provided, single submitter. Criteria: Ambry Variant Classification Scheme 2023. Collection method: clinical testing. Allele origin: germline.
Comment: The p.T1764S variant (also known as c.5291C>G), located in coding exon 20 of the FANCM gene, results from a C to G substitution at nucleotide position 5291. The threonine at codon 1764 is replaced by serine, an amino acid with similar properties. This amino acid position is conserved. In addition, this alteration is predicted to be tolerated by in silico analysis. Based on the available evidence, the clinical significance of this variant remains unclear.

NM_020937.4(FANCM):c.5291C>G (p.Thr1764Ser)

Gene: FANCM (FA complementation group M; plus strand). Cytogenetic location: 14q21.2.
Variant type: single nucleotide variant.
Coding change: c.5291C>G on transcript NM_020937.4 (MANE Select); coding-DNA position 5291, C replaced by G.
Protein change: p.Thr1764Ser; replaces threonine 1764 with serine.
Molecular consequence: missense variant.
Genome position (GRCh38, 1-based): chr14:45,189,313, C>G. VCF-style: chr14-45189313-C-G. GRCh37 (hg19) VCF-style: chr14-45658516-C-G.
Other names: c.5213C>G, p.Thr1738Ser (NM_001308133.2); short protein forms T1738S, T1764S.
Identifiers: ClinVar variation 3848576 (VCV003848576.1).
Genomic context (GRCh38, chr14:45,189,313, plus strand): 5'-AAGTCTCAGACTTCAAACCTCAGAATCATAATGAAGTCCAGTCTACCACACCACCCTTCA[C>G]TACTGTTGATTCACAGAAAGACTGTAGAAAATTTCCAGTTCCACAGAAGGTATGGATCAA-3'
Protein context (NP_065988.1, residues 1754-1774): NEVQSTTPPF[Thr1764Ser]TVDSQKDCRK